The following is an entry in ClinVar:

ClinVar aggregate classification (germline): Likely benign. Review status: criteria provided, multiple submitters, no conflicts (2 of 4 stars). 2 submissions from 2 submitters: Likely benign (2). Last evaluated 2024-09-22.

Conditions:
RYR1-related disorder. Also called: RYR1-related condition; RYR1-related disorders. Identifiers: MedGen CN239331.
Malignant hyperthermia, susceptibility to, 1 (MHS1). Also called: RYR1-Related Malignant Hyperthermia Susceptibility; Anesthesia related hyperthermia; Malignant hyperpyrexia; Fulminating hyperpyrexia; Pharmacogenic myopathy; Malignant hyperthermia suceptibility 1. Identifiers: Orphanet 423, MedGen C2930980, MONDO:0007783, OMIM 145600.

gnomAD v4.1: 2 of 1,614,142 alleles (0.00012%); highest among the groups gnomAD compares: South Asian, 0.0011%; no homozygotes.

Submissions (2):

Labcorp Genetics (formerly Invitae), Labcorp
Classification: Likely benign for RYR1-related disorder. Last evaluated: 2024-09-22. Review status: criteria provided, single submitter. Criteria: Invitae Variant Classification Sherloc (09022015). Collection method: clinical testing. Allele origin: germline.

All of Us Research Program, National Institutes of Health
Classification: Likely benign for Malignant hyperthermia, susceptibility to, 1. Last evaluated: 2023-04-03. Review status: criteria provided, single submitter. Criteria: ACMG Guidelines, 2015. Collection method: clinical testing. Allele origin: germline. Inheritance: Autosomal dominant inheritance. Observed: 1 variant allele, 1 heterozygote.
Comment: This study involves interpretation of variants in research participants for the purpose of population health screening. Participant phenotype was not available at the time of variant classification. Additional details can be found in publication PMID: 35346344, PMCID: PMC8962531

NM_000540.3(RYR1):c.13842G>A (p.Leu4614=)

Gene: RYR1 (ryanodine receptor 1; plus strand). Cytogenetic location: 19q13.2.
Variant type: single nucleotide variant.
Coding change: c.13842G>A on transcript NM_000540.3 (MANE Select); coding-DNA position 13842, G replaced by A.
Protein change: p.Leu4614=; no amino-acid change (leucine 4614 retained).
Molecular consequence: synonymous variant.
Genome position (GRCh38, 1-based): chr19:38,572,114, G>A. VCF-style: chr19-38572114-G-A. GRCh37 (hg19) VCF-style: chr19-39062754-G-A.
Other names: c.13827G>A, p.Leu4609= (NM_001042723.2).
Identifiers: ClinVar variation 3070327 (VCV003070327.3), dbSNP rs775940719, ClinGen allele CA081016.